The following is an entry in ClinVar:

NM_000257.4(MYH7):c.2498A>G (p.Tyr833Cys)

Genes: MYH7 (myosin heavy chain 7; minus strand), LOC126861898 (BRD4-independent group 4 enhancer GRCh37_chr14:23893609-23894808; plus strand). Cytogenetic location: 14q11.2.
Variant type: single nucleotide variant.
Coding change: c.2498A>G on transcript NM_000257.4 (MANE Select); coding-DNA position 2498, A replaced by G.
Protein change: p.Tyr833Cys; replaces tyrosine 833 with cysteine.
Molecular consequence: missense variant.
Genome position (GRCh38, 1-based): chr14:23,424,950, T>C on the plus strand (A>G on the coding strand, the complement: MYH7 is on the minus strand). VCF-style: chr14-23424950-T-C. GRCh37 (hg19) VCF-style: chr14-23894159-T-C.
Other names: short protein forms Y833C.
Identifiers: ClinVar variation 178928 (VCV000178928.4), dbSNP rs727504546, ClinGen allele CA012487.

ClinVar aggregate classification (germline): Uncertain significance (1 of 4 stars; one submission).

Submission:

Laboratory for Molecular Medicine, Mass General Brigham Personalized Medicine
Classification: Uncertain significance. Last evaluated: 2013-04-21. Review status: criteria provided, single submitter. Criteria: LMM Criteria. Collection method: clinical testing. Allele origin: germline. Observed: 1 variant allele.
Comment: The Tyr833Cys variant in MYH7 has not been reported in individuals with cardiomy opathy or in large population studies. Tyrosine (Tyr) at position 833 is not ful ly conserved as some mammals and other evolutionarily distant species carry a ph enylalanine (Phe), which raises the possibility that a change at this position m ay be tolerated. However, the change to cysteine (Cys) was predicted to be patho genic using a computational tool clinically validated by our laboratory. This to ol's pathogenic prediction is estimated to be correct 94% of the time (Jordan 20 11). In summary, additional information is needed to fully assess the clinical s ignificance of the Tyr833Cys variant.